The following is an entry in ClinVar:

NM_003999.3(OSMR):c.1872T>C (p.Ala624=)

Gene: OSMR (oncostatin M receptor; plus strand). Cytogenetic location: 5p13.1.
Variant type: single nucleotide variant.
Coding change: c.1872T>C on transcript NM_003999.3 (MANE Select); coding-DNA position 1872, T replaced by C.
Protein change: p.Ala624=; no amino-acid change (alanine 624 retained).
Molecular consequence: synonymous variant.
Genome position (GRCh38, 1-based): chr5:38,924,423, T>C. VCF-style: chr5-38924423-T-C. GRCh37 (hg19) VCF-style: chr5-38924525-T-C.
Other names: c.1872T>C, p.Ala624= (NM_001323505.2); c.1875T>C, p.Ala625= (NM_001323506.2).
Identifiers: ClinVar variation 2655438 (VCV002655438.24), dbSNP rs146032550, ClinGen allele CA3244203.

ClinVar aggregate classification (germline): Benign (1 of 4 stars; one submission).

Allele frequency attached by ClinVar (database versions not stated): 1000 Genomes Project 0.00080; 1000 Genomes Project 30x 0.00094; gnomAD 0.00320; TOPMed 0.00348; ExAC 0.00369; gnomAD exomes 0.00430; ESP Exome Variant Server 0.00477.
gnomAD v4.1: 6,809 of 1,614,104 alleles (0.42%); highest among the groups gnomAD compares: Middle Eastern, 1.2%; 43 homozygotes.

Submission:

CeGaT Center for Human Genetics Tuebingen
Classification: Benign. Last evaluated: 2022-10-01. Review status: criteria provided, single submitter. Criteria: CeGaT Center For Human Genetics Tuebingen Variant Classification Criteria Version 2. Collection method: clinical testing. Allele origin: germline. Affected: yes. Observed: 1 variant allele.
Comment: OSMR: BP4, BP7, BS1, BS2